The following is an entry in ClinVar:

ClinVar aggregate classification (germline): Uncertain significance. Review status: criteria provided, multiple submitters, no conflicts (2 of 4 stars). 3 submissions from 3 submitters: Uncertain significance (3). Last evaluated 2025-11-26.

Conditions:
Autoinflammatory syndrome. Identifiers: Orphanet 93665, MedGen C3890737, MONDO:0019751.
Cyclical neutropenia. Also called: Cyclic Neutropenia; Cyclic hematopoiesis. Identifiers: Orphanet 2686, MedGen C0221023, MONDO:0008090, OMIM 162800, HP:0040289. Disease mechanism: loss of function.
Neutropenia, severe congenital, 1, autosomal dominant. Identifiers: MedGen C1859966, MONDO:0042490, OMIM 202700.
Inborn genetic diseases. Identifiers: MedGen C0950123, MeSH D030342.

Submissions (3):

Ambry Genetics
Classification: Uncertain significance for Inborn genetic diseases. Last evaluated: 2025-11-26. Review status: criteria provided, single submitter. Criteria: Ambry Variant Classification Scheme 2023. Collection method: clinical testing. Allele origin: germline.

Labcorp Genetics (formerly Invitae), Labcorp
Classification: Uncertain significance for Neutropenia, severe congenital, 1, autosomal dominant; Cyclical neutropenia. Last evaluated: 2025-03-27. Review status: criteria provided, single submitter. Criteria: Invitae Variant Classification Sherloc (09022015). Collection method: clinical testing. Allele origin: germline.
Comment: This sequence change replaces glycine, which is neutral and non-polar, with arginine, which is basic and polar, at codon 51 of the ELANE protein (p.Gly51Arg). This variant is not present in population databases (gnomAD no frequency). This variant has not been reported in the literature in individuals affected with ELANE-related conditions. ClinVar contains an entry for this variant (Variation ID: 1694266). Invitae Evidence Modeling of protein sequence and biophysical properties (such as structural, functional, and spatial information, amino acid conservation, physicochemical variation, residue mobility, and thermodynamic stability) has been performed for this missense variant. However, the output from this modeling did not meet the statistical confidence thresholds required to predict the impact of this variant on ELANE protein function. In summary, the available evidence is currently insufficient to determine the role of this variant in disease. Therefore, it has been classified as a Variant of Uncertain Significance.

Genome Diagnostics Laboratory, The Hospital for Sick Children
Classification: Uncertain significance for Autoinflammatory syndrome. Last evaluated: 2016-12-12. Review status: criteria provided, single submitter. Criteria: ACMG Guidelines, 2015. Collection method: clinical testing. Allele origin: germline. Affected: yes.

NM_001972.4(ELANE):c.151G>A (p.Gly51Arg)

Gene: ELANE (elastase, neutrophil expressed; plus strand). Cytogenetic location: 19p13.3.
Variant type: single nucleotide variant.
Coding change: c.151G>A on transcript NM_001972.4 (MANE Select); coding-DNA position 151, G replaced by A.
Protein change: p.Gly51Arg; replaces glycine 51 with arginine.
Molecular consequence: missense variant.
Genome position (GRCh38, 1-based): chr19:852,959, G>A. VCF-style: chr19-852959-G-A. GRCh37 (hg19) VCF-style: chr19-852959-G-A.
Other names: short protein forms G51R.
Identifiers: ClinVar variation 1694266 (VCV001694266.10), dbSNP rs1320267189, ClinGen allele CA402914609.
Genomic context (GRCh38, chr19:852,959, plus strand): 5'-GTGGGGGGCCGGCGAGCGCGGCCCCACGCGTGGCCCTTCATGGTGTCCCTGCAGCTGCGC[G>A]GAGGCCACTTCTGCGGCGCCACCCTGATTGCGCCCAACTTCGTCATGTCGGCCGCGCACT-3'
Protein context (NP_001963.1, residues 41-61): WPFMVSLQLR[Gly51Arg]GHFCGATLIA